The following is an entry in ClinVar:

ClinVar aggregate classification (germline): Likely benign. Review status: criteria provided, multiple submitters, no conflicts (2 of 4 stars). 2 submissions from 2 submitters: Likely benign (2). Last evaluated 2023-10-06.

Conditions:
Koolen-de Vries syndrome (KDVS). Identifiers: Orphanet 96169, MedGen C1864871, MONDO:0012496, OMIM 610443.

Allele frequency attached by ClinVar (database versions not stated): gnomAD exomes below 0.00001 and 0.00001; gnomAD 0.00001; ExAC 0.00002; TOPMed 0.00002; ESP Exome Variant Server 0.00008.
gnomAD v4.1: 5 of 1,614,064 alleles (0.00031%); highest among the groups gnomAD compares: Non-Finnish European, 0.00042%; no homozygotes.

Submissions (2):

Labcorp Genetics (formerly Invitae), Labcorp
Classification: Likely benign for Koolen-de Vries syndrome. Last evaluated: 2023-10-06. Review status: criteria provided, single submitter. Criteria: Invitae Variant Classification Sherloc (09022015). Collection method: clinical testing. Allele origin: germline.

GeneDx
Classification: Likely benign. Last evaluated: 2017-12-18. Review status: criteria provided, single submitter. Criteria: GeneDx Variant Classification (06012015). Collection method: clinical testing. Allele origin: germline. Affected: yes.
Comment: This variant is considered likely benign or benign based on one or more of the following criteria: it is a conservative change, it occurs at a poorly conserved position in the protein, it is predicted to be benign by multiple in silico algorithms, and/or has population frequency not consistent with disease.

NM_015443.4(KANSL1):c.1779A>G (p.Thr593=)

Gene: KANSL1 (KAT8 regulatory NSL complex subunit 1). Cytogenetic location: 17q21.31.
Variant type: single nucleotide variant.
Coding change: c.1779A>G on transcript NM_015443.4 (MANE Select); coding-DNA position 1779, A replaced by G.
Protein change: p.Thr593=; no amino-acid change (threonine 593 retained).
Molecular consequence: synonymous variant.
Genome position (GRCh38, 1-based): chr17:46,066,606, T>C on the plus strand (A>G on the coding strand, the complement: KANSL1 is on the minus strand). VCF-style: chr17-46066606-T-C. GRCh37 (hg19) VCF-style: chr17-44143972-T-C.
Other names: c.1779A>G, p.Thr593= (NM_001193465.2, NM_001193466.2, NM_001379198.1).
Identifiers: ClinVar variation 514194 (VCV000514194.8), dbSNP rs372072783, ClinGen allele CA8618732.
Genomic context (GRCh38, chr17:46,066,606, plus strand): 5'-AAGAGGAACGATGCTGTTGGGTCGAACAAGCCTCCGCTTCTTACAGCTCAGTACAGGACG[T>C]GTCCGGGCTGCCACACAGGTGCCATCAGATGATGAAGAGACGAGATTCAGTCGTTGCTTC-3'
Protein context (NP_056258.1, residues 583-603): SSDGTCVAAR[Thr593=]RPVLSCKKRR